The following is an entry in ClinVar:

NM_021625.5(TRPV4):c.1741G>A (p.Ala581Thr)

Gene: TRPV4 (transient receptor potential cation channel subfamily V member 4; minus strand). Cytogenetic location: 12q24.11.
Variant type: single nucleotide variant.
Coding change: c.1741G>A on transcript NM_021625.5 (MANE Select); coding-DNA position 1741, G replaced by A.
Protein change: p.Ala581Thr; replaces alanine 581 with threonine.
Molecular consequence: missense variant.
Genome position (GRCh38, 1-based): chr12:109,792,735, C>T on the plus strand (G>A on the coding strand, the complement: TRPV4 is on the minus strand). VCF-style: chr12-109792735-C-T. GRCh37 (hg19) VCF-style: chr12-110230540-C-T.
Other names: c.1600G>A, p.Ala534Thr (NM_001177428.2); c.1639G>A, p.Ala547Thr (NM_001177431.2); c.1420G>A, p.Ala474Thr (NM_001177433.2); c.1561G>A, p.Ala521Thr (NM_147204.3); short protein forms A581T, A521T, A534T, A547T, A474T.
Identifiers: ClinVar variation 2719511 (VCV002719511.3), dbSNP rs2548726824, ClinGen allele CA386652409.
Genomic context (GRCh38, chr12:109,792,735, plus strand): 5'-TCCCCGTCAGCTTCAGCCCACGGGTGAAGTAAAGGGCATTCATCCAGCCCAGGACCAGGG[C>T]AAAGACCATCACGGCCAGGTAGGCCTCGATCCCTGCCAGGTAGAGGGCTGCTGAGACGAT-3'
Protein context (NP_067638.3, residues 571-591): IEAYLAVMVF[Ala581Thr]LVLGWMNALY

ClinVar aggregate classification (germline): Uncertain significance (1 of 4 stars; one submission).

Conditions:
Charcot-Marie-Tooth disease axonal type 2C (HMSN2C). Also called: Charcot-Marie-Tooth Disease Type 2, TRPV4-Related (CMT2C); CHARCOT-MARIE-TOOTH DISEASE, AXONAL, AUTOSOMAL DOMINANT, TYPE 2C; Charcot-Marie-Tooth Neuropathy Type 2C. Identifiers: Orphanet 99937, MedGen C1853710, MONDO:0011633, OMIM 606071.

Submission:

Labcorp Genetics (formerly Invitae), Labcorp
Classification: Uncertain significance for Charcot-Marie-Tooth disease axonal type 2C. Last evaluated: 2025-06-03. Review status: criteria provided, single submitter. Criteria: Invitae Variant Classification Sherloc (09022015). Collection method: clinical testing. Allele origin: germline.
Comment: This sequence change replaces alanine, which is neutral and non-polar, with threonine, which is neutral and polar, at codon 581 of the TRPV4 protein (p.Ala581Thr). This variant is not present in population databases (gnomAD no frequency). This variant has not been reported in the literature in individuals affected with TRPV4-related conditions. ClinVar contains an entry for this variant (Variation ID: 2719511). Invitae Evidence Modeling of protein sequence and biophysical properties (such as structural, functional, and spatial information, amino acid conservation, physicochemical variation, residue mobility, and thermodynamic stability) has been performed for this missense variant. However, the output from this modeling did not meet the statistical confidence thresholds required to predict the impact of this variant on TRPV4 protein function. In summary, the available evidence is currently insufficient to determine the role of this variant in disease. Therefore, it has been classified as a Variant of Uncertain Significance.